The following is an entry in ClinVar:

ClinVar aggregate classification (germline): Uncertain significance (1 of 4 stars; one submission).

Conditions:
Inborn genetic diseases. Identifiers: MedGen C0950123, MeSH D030342.

Allele frequency attached by ClinVar (database versions not stated): gnomAD exomes below 0.00001 and 0.00001; ExAC 0.00001; gnomAD 0.00001; TOPMed 0.00001.

Submission:

Ambry Genetics
Classification: Uncertain significance for Inborn genetic diseases. Last evaluated: 2016-10-05. Review status: criteria provided, single submitter. Criteria: Ambry Variant Classification Scheme 2023. Collection method: clinical testing. Allele origin: germline.
Comment: The p.T1404I variant (also known as c.4211C>T), located in coding exon 21 of the SHANK3 gene, results from a C to T substitution at nucleotide position 4211. The threonine at codon 1404 is replaced by isoleucine, an amino acid with similar properties. This variant was not reported in population based cohorts in the following databases: Database of Single Nucleotide Polymorphisms (dbSNP), NHLBI Exome Sequencing Project (ESP), and 1000 Genomes Project. In the ESP, this variant was not observed in 6394 samples (12788 alleles) with coverage at this position. This amino acid position is highly conserved in available vertebrate species. Since supporting evidence is limited at this time, the clinical significance of this alteration remains unclear.

NM_001372044.2(SHANK3):c.4436C>T (p.Thr1479Ile)

Gene: SHANK3 (SH3 and multiple ankyrin repeat domains 3; plus strand). Cytogenetic location: 22q13.33.
Variant type: single nucleotide variant.
Coding change: c.4436C>T on transcript NM_001372044.2 (MANE Select); coding-DNA position 4436, C replaced by T.
Protein change: p.Thr1479Ile; replaces threonine 1479 with isoleucine.
Molecular consequence: missense variant.
Genome position (GRCh38, 1-based): chr22:50,722,044, C>T. VCF-style: chr22-50722044-C-T. GRCh37 (hg19) VCF-style: chr22-51160472-C-T.
Other names: c.4211C>T, p.Thr1404Ile (NM_033517.1); short protein forms T1404I, T1479I.
Identifiers: ClinVar variation 588344 (VCV000588344.5), dbSNP rs777394030, ClinGen allele CA10326225.
Genomic context (GRCh38, chr22:50,722,044, plus strand): 5'-CCTTGAGCTCGGAGAGCGGGGAACTCACTGACACCCACACCTCCTTCGCTGACGGACACA[C>T]TTTTCTACTCGAGAAGCCACCAGTGCCTCCCAAGCCCAAGCTCAAGTCCCCGCTGGGGAA-3'
Protein context (NP_001358973.1, residues 1469-1489): DTHTSFADGH[Thr1479Ile]FLLEKPPVPP